The following is an entry in ClinVar:

NM_032119.4(ADGRV1):c.3245C>T (p.Pro1082Leu)

Gene: ADGRV1 (adhesion G protein-coupled receptor V1; plus strand). Cytogenetic location: 5q14.3.
Variant type: single nucleotide variant.
Coding change: c.3245C>T on transcript NM_032119.4 (MANE Select); coding-DNA position 3245, C replaced by T.
Protein change: p.Pro1082Leu; replaces proline 1082 with leucine.
Molecular consequence: missense variant. On other transcripts: non-coding transcript variant (1).
Genome position (GRCh38, 1-based): chr5:90,647,720, C>T. VCF-style: chr5-90647720-C-T. GRCh37 (hg19) VCF-style: chr5-89943537-C-T.
Other names: short protein forms P1082L.
Identifiers: ClinVar variation 1064969 (VCV001064969.6), dbSNP rs768921869, ClinGen allele CA3339132.

ClinVar aggregate classification (germline): Uncertain significance. Review status: criteria provided, multiple submitters, no conflicts (2 of 4 stars). 3 submissions from 3 submitters: Uncertain significance (3). Last evaluated 2025-03-25.

Conditions:
Hearing impairment. Also called: Impaired Hearing. Identifiers: MedGen C1384666, MONDO:0005365, HP:0000365.

Allele frequency attached by ClinVar (database versions not stated): gnomAD exomes 0.00001 and 0.00002; TOPMed 0.00001; ExAC 0.00002.
gnomAD v4.1: 17 of 1,613,692 alleles (0.0011%); highest among the groups gnomAD compares: Admixed American, 0.0033%; no homozygotes.

Submissions (3):

Women's Health and Genetics/Laboratory Corporation of America, LabCorp
Classification: Uncertain significance. Last evaluated: 2025-03-25. Review status: criteria provided, single submitter. Criteria: LabCorp Variant Classification Summary - May 2015. Collection method: clinical testing. Allele origin: germline.
Comment: Variant summary: ADGRV1 c.3245C>T (p.Pro1082Leu) results in a non-conservative amino acid change in the encoded protein sequence. Four of five in-silico tools predict a damaging effect of the variant on protein function. The variant allele was found at a frequency of 2e-05 in 248942 control chromosomes. The available data on variant occurrences in the general population are insufficient to allow any conclusion about variant significance. c.3245C>T has been reported in the literature in at least one individual affected with hearing loss (Rim_2022). These report(s) do not provide unequivocal conclusions about association of the variant with Usher Syndrome. To our knowledge, no experimental evidence demonstrating an impact on protein function has been reported. The following publication have been ascertained in the context of this evaluation (PMID: 34519870). ClinVar contains an entry for this variant (Variation ID: 1064969). Based on the evidence outlined above, the variant was classified as uncertain significance.

Labcorp Genetics (formerly Invitae), Labcorp
Classification: Uncertain significance. Last evaluated: 2022-08-17. Review status: criteria provided, single submitter. Criteria: Invitae Variant Classification Sherloc (09022015). Collection method: clinical testing. Allele origin: germline.
Comment: This sequence change replaces proline, which is neutral and non-polar, with leucine, which is neutral and non-polar, at codon 1082 of the ADGRV1 protein (p.Pro1082Leu). This variant is present in population databases (rs768921869, gnomAD 0.006%). This variant has not been reported in the literature in individuals affected with ADGRV1-related conditions. ClinVar contains an entry for this variant (Variation ID: 1064969). Algorithms developed to predict the effect of missense changes on protein structure and function are either unavailable or do not agree on the potential impact of this missense change (SIFT: "Deleterious"; PolyPhen-2: "Probably Damaging"; Align-GVGD: "Class C0"). In summary, the available evidence is currently insufficient to determine the role of this variant in disease. Therefore, it has been classified as a Variant of Uncertain Significance.

Department of Otolaryngology – Head & Neck Surgery, Cochlear Implant Center
Classification: Uncertain significance for Hearing impairment. Last evaluated: 2021-04-12. Review status: criteria provided, single submitter. Criteria: ClinGen HL ACMG Specifications v1. Collection method: clinical testing. Allele origin: germline. Affected: yes.
Comment: PM2_Moderate, PP3_Supporting

Literature cited by the submitters: PubMed 34519870 (cited by Women's Health and Genetics/Laboratory Corporation of America, LabCorp).